The following is an entry in ClinVar:

ClinVar aggregate classification (germline): Uncertain significance (1 of 4 stars; one submission).

gnomAD v4.1: 1 of 1,610,474 alleles (0.000062%); highest among the groups gnomAD compares: Admixed American, 0.0017%; no homozygotes.

Submission:

Labcorp Genetics (formerly Invitae), Labcorp
Classification: Uncertain significance. Last evaluated: 2025-10-01. Review status: criteria provided, single submitter. Criteria: Invitae Variant Classification Sherloc (09022015). Collection method: clinical testing. Allele origin: germline.
Comment: This sequence change replaces aspartic acid, which is acidic and polar, with asparagine, which is neutral and polar, at codon 1227 of the SCN3A protein (p.Asp1227Asn). This variant is not present in population databases (gnomAD no frequency). This variant has not been reported in the literature in individuals affected with SCN3A-related conditions. Invitae Evidence Modeling of protein sequence and biophysical properties (such as structural, functional, and spatial information, amino acid conservation, physicochemical variation, residue mobility, and thermodynamic stability) indicates that this missense variant is expected to disrupt SCN3A protein function with a positive predictive value of 80%. In summary, the available evidence is currently insufficient to determine the role of this variant in disease. Therefore, it has been classified as a Variant of Uncertain Significance.

NM_006922.4(SCN3A):c.3679G>A (p.Asp1227Asn)

Gene: SCN3A (sodium voltage-gated channel alpha subunit 3; minus strand). Cytogenetic location: 2q24.3.
Variant type: single nucleotide variant.
Coding change: c.3679G>A on transcript NM_006922.4 (MANE Select); coding-DNA position 3679, G replaced by A.
Protein change: p.Asp1227Asn; replaces aspartic acid 1227 with asparagine.
Molecular consequence: missense variant.
Genome position (GRCh38, 1-based): chr2:165,113,049, C>T on the plus strand (G>A on the coding strand, the complement: SCN3A is on the minus strand). VCF-style: chr2-165113049-C-T. GRCh37 (hg19) VCF-style: chr2-165969559-C-T.
Other names: c.3532G>A, p.Asp1178Asn (NM_001081676.2, NM_001081677.2); short protein forms D1178N, D1227N.
Identifiers: ClinVar variation 4764755 (VCV004764755.1).